The following is an entry in ClinVar:

ClinVar aggregate classification (germline): Uncertain significance (1 of 4 stars; one submission).

Submission:

CeGaT Center for Human Genetics Tuebingen
Classification: Uncertain significance. Last evaluated: 2023-01-01. Review status: criteria provided, single submitter. Criteria: CeGaT Center For Human Genetics Tuebingen Variant Classification Criteria Version 2. Collection method: clinical testing. Allele origin: germline. Affected: yes. Observed: 1 variant allele.
Comment: KMT2A: PM2, BP4

NM_001197104.2(KMT2A):c.2470G>C (p.Ala824Pro)

Gene: KMT2A (lysine methyltransferase 2A; plus strand). Cytogenetic location: 11q23.3.
Variant type: single nucleotide variant.
Coding change: c.2470G>C on transcript NM_001197104.2 (MANE Select); coding-DNA position 2470, G replaced by C.
Protein change: p.Ala824Pro; replaces alanine 824 with proline.
Molecular consequence: missense variant.
Genome position (GRCh38, 1-based): chr11:118,473,629, G>C. VCF-style: chr11-118473629-G-C. GRCh37 (hg19) VCF-style: chr11-118344344-G-C.
Other names: c.2569G>C, p.Ala857Pro (NM_001412597.1); c.2470G>C, p.Ala824Pro (NM_005933.4); short protein forms A824P, A857P.
Identifiers: ClinVar variation 2642419 (VCV002642419.24), dbSNP rs1949982956, ClinGen allele CA382815527.